The following is an entry in ClinVar:

NM_001082486.2(ACD):c.590G>A (p.Gly197Asp)

Gene: ACD (ACD shelterin complex subunit and telomerase recruitment factor; minus strand). Cytogenetic location: 16q22.1.
Variant type: single nucleotide variant.
Coding change: c.590G>A on transcript NM_001082486.2 (MANE Select); coding-DNA position 590, G replaced by A.
Protein change: p.Gly197Asp; replaces glycine 197 with aspartic acid.
Molecular consequence: missense variant.
Genome position (GRCh38, 1-based): chr16:67,658,983, C>T on the plus strand (G>A on the coding strand, the complement: ACD is on the minus strand). VCF-style: chr16-67658983-C-T. GRCh37 (hg19) VCF-style: chr16-67692886-C-T.
Other names: c.590G>A, p.Gly197Asp (NM_001410884.1); c.581G>A, p.Gly194Asp (NM_022914.3); short protein forms G194D, G197D.
Identifiers: ClinVar variation 1978212 (VCV001978212.5), dbSNP rs780160617, ClinGen allele CA396354066.

ClinVar aggregate classification (germline): Uncertain significance (1 of 4 stars; one submission).

Conditions:
Dyskeratosis congenita, autosomal dominant 6 (DKCA6). Identifiers: Orphanet 3322, MedGen C4225284, MONDO:0014690, OMIM 616553.

Submission:

Labcorp Genetics (formerly Invitae), Labcorp
Classification: Uncertain significance for Dyskeratosis congenita, autosomal dominant 6. Last evaluated: 2022-05-09. Review status: criteria provided, single submitter. Criteria: Invitae Variant Classification Sherloc (09022015). Collection method: clinical testing. Allele origin: germline.
Comment: This sequence change replaces glycine, which is neutral and non-polar, with aspartic acid, which is acidic and polar, at codon 283 of the ACD protein (p.Gly283Asp). In summary, the available evidence is currently insufficient to determine the role of this variant in disease. Therefore, it has been classified as a Variant of Uncertain Significance. Algorithms developed to predict the effect of missense changes on protein structure and function are either unavailable or do not agree on the potential impact of this missense change (SIFT: "Tolerated"; PolyPhen-2: "Probably Damaging"; Align-GVGD: "Class C0"). This variant has not been reported in the literature in individuals affected with ACD-related conditions. This variant is not present in population databases (gnomAD no frequency).